The following is an entry in ClinVar:

ClinVar aggregate classification (germline): Uncertain significance (1 of 4 stars; one submission).

Allele frequency attached by ClinVar (database versions not stated): gnomAD exomes below 0.00001.
gnomAD v4.1: 5 of 1,604,166 alleles (0.00031%); highest among the groups gnomAD compares: Non-Finnish European, 0.00042%; no homozygotes.

Submission:

Labcorp Genetics (formerly Invitae), Labcorp
Classification: Uncertain significance. Last evaluated: 2022-09-22. Review status: criteria provided, single submitter. Criteria: Invitae Variant Classification Sherloc (09022015). Collection method: clinical testing. Allele origin: germline.
Comment: In summary, the available evidence is currently insufficient to determine the role of this variant in disease. Therefore, it has been classified as a Variant of Uncertain Significance. Algorithms developed to predict the effect of missense changes on protein structure and function (SIFT, PolyPhen-2, Align-GVGD) all suggest that this variant is likely to be disruptive. This variant has not been reported in the literature in individuals affected with PRPF6-related conditions. This variant is not present in population databases (gnomAD no frequency). This sequence change replaces arginine, which is basic and polar, with tryptophan, which is neutral and slightly polar, at codon 676 of the PRPF6 protein (p.Arg676Trp).

NM_012469.4(PRPF6):c.2026C>T (p.Arg676Trp)

Gene: PRPF6 (pre-mRNA processing factor 6; plus strand). Cytogenetic location: 20q13.33.
Variant type: single nucleotide variant.
Coding change: c.2026C>T on transcript NM_012469.4 (MANE Select); coding-DNA position 2026, C replaced by T.
Protein change: p.Arg676Trp; replaces arginine 676 with tryptophan.
Molecular consequence: missense variant.
Genome position (GRCh38, 1-based): chr20:64,026,056, C>T. VCF-style: chr20-64026056-C-T. GRCh37 (hg19) VCF-style: chr20-62657409-C-T.
Other names: short protein forms R676W.
Identifiers: ClinVar variation 1720032 (VCV001720032.5), dbSNP rs1215198380, ClinGen allele CA409738116.